The following is an entry in ClinVar:

NM_213720.3(CHCHD10):c.424C>A (p.Pro142Thr)

Gene: CHCHD10 (coiled-coil-helix-coiled-coil-helix domain containing 10; minus strand). Cytogenetic location: 22q11.23.
Variant type: single nucleotide variant.
Coding change: c.424C>A on transcript NM_213720.3 (MANE Select); coding-DNA position 424, C replaced by A.
Protein change: p.Pro142Thr; replaces proline 142 with threonine.
Molecular consequence: missense variant. On other transcripts: non-coding transcript variant (2).
Genome position (GRCh38, 1-based): chr22:23,766,012, G>T on the plus strand (C>A on the coding strand, the complement: CHCHD10 is on the minus strand). VCF-style: chr22-23766012-G-T. GRCh37 (hg19) VCF-style: chr22-24108199-G-T.
Other names: c.445C>A, p.Pro149Thr (NM_001301339.2); short protein forms P142T, P149T.
Identifiers: ClinVar variation 1395106 (VCV001395106.6), dbSNP rs1294246273, ClinGen allele CA410913619.
Genomic context (GRCh38, chr22:23,766,012, plus strand): 5'-TCGGCGAGGGGTAGAGGTGGGTGCAGGACTGGCCCCCGAGTCTGCACCGACCTCTTCAGG[G>T]CAGGGAGCTCAGACCTGGGAAGGGAGGGGCAGCACAGGCTGGTGGTCAGCCTGCAGGTGC-3'
Protein context (NP_998885.1, residues 132-142): CKYYHGLSSL[Pro142Thr]

ClinVar aggregate classification (germline): Uncertain significance (1 of 4 stars; one submission).

Conditions:
Lower motor neuron syndrome with late-adult onset (SMAJ). Also called: Spinal muscular atrophy, Jokela type; Late-Onset Spinal Motor Neuronopathy (SMAJ). Identifiers: Orphanet 276435, MedGen C3554398, MONDO:0014025, OMIM 615048.
Frontotemporal dementia and/or amyotrophic lateral sclerosis 2. Also called: FTDALS2. Identifiers: Orphanet 275872, MedGen C4014648, MONDO:0014395, OMIM 615911.
Autosomal dominant mitochondrial myopathy with exercise intolerance (IMMD). Also called: Myopathy, isolated mitochondrial, autosomal dominant. Identifiers: Orphanet 457050, MedGen C4015513, MONDO:0014532, OMIM 616209.

Allele frequency attached by ClinVar (database versions not stated): gnomAD exomes 0.00001 and below 0.00001.
gnomAD v4.1: 10 of 1,613,716 alleles (0.00062%); highest among the groups gnomAD compares: Non-Finnish European, 0.00085%; no homozygotes.

Submission:

Labcorp Genetics (formerly Invitae), Labcorp
Classification: Uncertain significance for Lower motor neuron syndrome with late-adult onset; Frontotemporal dementia and/or amyotrophic lateral sclerosis 2; Autosomal dominant mitochondrial myopathy with exercise intolerance. Last evaluated: 2021-10-28. Review status: criteria provided, single submitter. Criteria: Invitae Variant Classification Sherloc (09022015). Collection method: clinical testing. Allele origin: germline.
Comment: In summary, the available evidence is currently insufficient to determine the role of this variant in disease. Therefore, it has been classified as a Variant of Uncertain Significance. Algorithms developed to predict the effect of missense changes on protein structure and function are either unavailable or do not agree on the potential impact of this missense change (SIFT: "Tolerated"; PolyPhen-2: "Probably Damaging"; Align-GVGD: "Class C0"). This variant has not been reported in the literature in individuals affected with CHCHD10-related conditions. This variant is present in population databases (no rsID available, gnomAD 0.0009%). This sequence change replaces proline, which is neutral and non-polar, with threonine, which is neutral and polar, at codon 142 of the CHCHD10 protein (p.Pro142Thr).